The following is an entry in ClinVar:

ClinVar aggregate classification (germline): Uncertain significance (1 of 4 stars; one submission).

Submission:

GeneDx
Classification: Uncertain significance. Last evaluated: 2024-06-06. Review status: criteria provided, single submitter. Criteria: GeneDx Variant Classification Process June 2021. Collection method: clinical testing. Allele origin: germline. Affected: yes.
Comment: Not observed at significant frequency in large population cohorts (gnomAD); In silico analysis supports that this missense variant has a deleterious effect on protein structure/function; Has not been previously published as pathogenic or benign to our knowledge; This variant is associated with the following publications: (PMID: 16227997)

NM_001005361.3(DNM2):c.1663G>C (p.Asp555His)

Gene: DNM2 (dynamin 2; plus strand). Cytogenetic location: 19p13.2.
Variant type: single nucleotide variant.
Coding change: c.1663G>C on transcript NM_001005361.3 (MANE Select); coding-DNA position 1663, G replaced by C.
Protein change: p.Asp555His; replaces aspartic acid 555 with histidine.
Molecular consequence: missense variant.
Genome position (GRCh38, 1-based): chr19:10,812,369, G>C. VCF-style: chr19-10812369-G-C. GRCh37 (hg19) VCF-style: chr19-10923045-G-C.
Other names: c.1663G>C, p.Asp555His (NM_001005360.3, NM_001190716.2); c.1651G>C, p.Asp551His (NM_001005362.3, NM_004945.4); short protein forms D551H, D555H.
Identifiers: ClinVar variation 3384417 (VCV003384417.1).